The following is an entry in ClinVar:

ClinVar aggregate classification (germline): Benign/Likely benign. Review status: criteria provided, multiple submitters, no conflicts (2 of 4 stars). 13 submissions from 13 submitters: Benign (6); Likely benign (4). 3 of the submissions do not count toward it. Last evaluated 2026-02-01.

Conditions:
Cardiovascular phenotype. Identifiers: MedGen CN230736.
Sitosterolemia 1. Identifiers: MedGen C2749759, MONDO:0020747, OMIM 210250.
Gallbladder disease 4 (GBD4). Identifiers: MedGen C1969115, MONDO:1010151, OMIM 611465.

Allele frequency attached by ClinVar (database versions not stated): 1000 Genomes Project 0.00180; 1000 Genomes Project 30x 0.00187; TOPMed 0.00352; gnomAD 0.00401 and 0.00437; ESP Exome Variant Server 0.00423; gnomAD exomes 0.00492 and 0.00566; ExAC 0.00580.
gnomAD v4.1: 7,968 of 1,614,202 alleles (0.49%); highest among the groups gnomAD compares: South Asian, 0.73%; 32 homozygotes.

Submissions (13):

CeGaT Center for Human Genetics Tuebingen
Classification: Likely benign. Last evaluated: 2026-02-01. Review status: criteria provided, single submitter. Criteria: CeGaT Center For Human Genetics Tuebingen Variant Classification Criteria Version 2. Collection method: clinical testing. Allele origin: germline. Affected: yes. Observed: 8 variant alleles.
Comment: ABCG8: BP4, BP7, BS2

Labcorp Genetics (formerly Invitae), Labcorp
Classification: Benign. Last evaluated: 2026-02-01. Review status: criteria provided, single submitter. Criteria: Invitae Variant Classification Sherloc (09022015). Collection method: clinical testing. Allele origin: germline.

Mayo Clinic Laboratories, Mayo Clinic
Classification: Benign. Last evaluated: 2024-09-18. Review status: criteria provided, single submitter. Criteria: ACMG Guidelines, 2015. Collection method: clinical testing. Allele origin: germline. Observed: 17 variant alleles.
Comment: BS1, BS2, BP4, BP7

Women's Health and Genetics/Laboratory Corporation of America, LabCorp
Classification: Benign. Last evaluated: 2023-07-18. Review status: criteria provided, single submitter. Criteria: LabCorp Variant Classification Summary - May 2015. Collection method: clinical testing. Allele origin: germline.

Fulgent Genetics
Classification: Benign for Sitosterolemia 1; Gallbladder disease 4. Last evaluated: 2021-10-14. Review status: criteria provided, single submitter. Criteria: ACMG Guidelines, 2015. Collection method: clinical testing. Allele origin: unknown.

Genetic Services Laboratory, University of Chicago
Classification: Benign. Last evaluated: 2021-06-17. Review status: criteria provided, single submitter. Criteria: ACMG Guidelines, 2015. Collection method: clinical testing. Allele origin: germline. Affected: no.

GeneDx
Classification: Likely benign. Last evaluated: 2021-03-15. Review status: criteria provided, single submitter. Criteria: GeneDx Variant Classification Process June 2021. Collection method: clinical testing. Allele origin: germline. Affected: yes.

Ambry Genetics
Classification: Benign for Cardiovascular phenotype. Last evaluated: 2020-07-08. Review status: criteria provided, single submitter. Criteria: Ambry Variant Classification Scheme 2023. Collection method: clinical testing. Allele origin: germline.

Illumina Laboratory Services, Illumina
Classification: Likely benign for Sitosterolemia 1. Last evaluated: 2018-01-12. Review status: criteria provided, single submitter. Criteria: ICSL Variant Classification Criteria 13 December 2019. Collection method: clinical testing. Allele origin: germline.
Comment: This variant was observed in the ICSL laboratory as part of a predisposition screen in an ostensibly healthy population. It had not been previously curated by ICSL or reported in the Human Gene Mutation Database (HGMD: prior to June 1st, 2018), and was therefore a candidate for classification through an automated scoring system. Utilizing variant allele frequency, disease prevalence and penetrance estimates, and inheritance mode, an automated score was calculated to assess if this variant is too frequent to cause the disease. Based on the score and internal cut-off values, a variant classified as likely benign is not then subjected to further curation. The score for this variant resulted in a classification of likely benign for this disease.

Breakthrough Genomics
Classification: Likely benign. Review status: criteria provided, single submitter. Criteria: ACMG Guidelines, 2015. Collection method: not provided. Allele origin: germline. Inheritance: Autosomal recessive inheritance. Affected: yes.

Clinical Genetics DNA and cytogenetics Diagnostics Lab, Erasmus MC, Erasmus Medical Center
Classification: Likely benign. Review status: no assertion criteria provided. Collection method: clinical testing. Allele origin: germline. Affected: yes. Study: VKGL Data-share Consensus. Not counted in ClinVar's aggregate classification.

Clinical Genetics, Academic Medical Center
Classification: Benign. Review status: no assertion criteria provided. Collection method: clinical testing. Allele origin: germline. Affected: yes. Study: VKGL Data-share Consensus. Not counted in ClinVar's aggregate classification.

Joint Genome Diagnostic Labs from Nijmegen and Maastricht, Radboudumc and MUMC+
Classification: Likely benign. Review status: no assertion criteria provided. Collection method: clinical testing. Allele origin: germline. Affected: yes. Study: VKGL Data-share Consensus. Not counted in ClinVar's aggregate classification.

Literature cited by the submitters: PubMed 24497850 (cited by Ambry Genetics).

NM_022437.3(ABCG8):c.1506G>A (p.Pro502=)

Gene: ABCG8 (ATP binding cassette subfamily G member 8; plus strand). Cytogenetic location: 2p21.
Variant type: single nucleotide variant.
Coding change: c.1506G>A on transcript NM_022437.3 (MANE Select); coding-DNA position 1506, G replaced by A.
Protein change: p.Pro502=; no amino-acid change (proline 502 retained).
Molecular consequence: synonymous variant.
Genome position (GRCh38, 1-based): chr2:43,875,163, G>A. VCF-style: chr2-43875163-G-A. GRCh37 (hg19) VCF-style: chr2-44102302-G-A.
Other names: p.Pro502=; c.1503G>A, p.Pro501= (NM_001357321.2).
Identifiers: ClinVar variation 336083 (VCV000336083.59), dbSNP rs145756111, ClinGen allele CA1637532.
Genomic context (GRCh38, chr2:43,875,163, plus strand): 5'-GAAGGTGCTGGCTTCATATCCTTGCAAGGGCTGTTCTTTGCAGATCCTCGGGGAGCTTCC[G>A]GAGCACTGTGCCTACATCATCATCTACGGGATGCCCACCTACTGGCTGGCCAACCTGAGG-3'
Protein context (NP_071882.1, residues 492-512): YFFAKILGEL[Pro502=]EHCAYIIIYG